The following is an entry in ClinVar:

ClinVar aggregate classification (germline): Uncertain significance (1 of 4 stars; one submission).

Conditions:
Combined immunodeficiency due to CTPS1 deficiency. Also called: Severe combined immunodeficiency due to CTPS1 deficiency; Immunodeficiency 24. Identifiers: Orphanet 420573, MedGen C4014617, MONDO:0014391, OMIM 615897.

Allele frequency attached by ClinVar (database versions not stated): gnomAD exomes below 0.00001; TOPMed below 0.00001; ExAC 0.00001; gnomAD 0.00001; ESP Exome Variant Server 0.00008.
gnomAD v4.1: 7 of 1,613,936 alleles (0.00043%); highest among the groups gnomAD compares: Non-Finnish European, 0.00059%; no homozygotes.

Submission:

Labcorp Genetics (formerly Invitae), Labcorp
Classification: Uncertain significance for Combined immunodeficiency due to CTPS1 deficiency. Last evaluated: 2021-05-19. Review status: criteria provided, single submitter. Criteria: Invitae Variant Classification Sherloc (09022015). Collection method: clinical testing. Allele origin: germline.
Comment: Algorithms developed to predict the effect of missense changes on protein structure and function are either unavailable or do not agree on the potential impact of this missense change (SIFT: "Tolerated"; PolyPhen-2: "Possibly Damaging"; Align-GVGD: "Class C0"). In summary, the available evidence is currently insufficient to determine the role of this variant in disease. Therefore, it has been classified as a Variant of Uncertain Significance. Algorithms developed to predict the effect of sequence changes on RNA splicing suggest that this variant may create or strengthen a splice site, but this prediction has not been confirmed by published transcriptional studies. This variant has not been reported in the literature in individuals with CTPS1-related conditions. This variant is present in population databases (rs149425488, ExAC 0.001%). This sequence change replaces proline with arginine at codon 576 of the CTPS1 protein (p.Pro576Arg). The proline residue is moderately conserved and there is a moderate physicochemical difference between proline and arginine.

NM_001905.4(CTPS1):c.1727C>G (p.Pro576Arg)

Gene: CTPS1 (CTP synthase 1; plus strand). Cytogenetic location: 1p34.2.
Variant type: single nucleotide variant.
Coding change: c.1727C>G on transcript NM_001905.4 (MANE Select); coding-DNA position 1727, C replaced by G.
Protein change: p.Pro576Arg; replaces proline 576 with arginine.
Molecular consequence: missense variant. On other transcripts: non-coding transcript variant (1).
Genome position (GRCh38, 1-based): chr1:41,010,196, C>G. VCF-style: chr1-41010196-C-G. GRCh37 (hg19) VCF-style: chr1-41475868-C-G.
Other names: c.1259C>G, p.Pro420Arg (NM_001301237.2); short protein forms P576R, P420R.
Identifiers: ClinVar variation 1484441 (VCV001484441.8), dbSNP rs149425488, ClinGen allele CA795611.